The following is an entry in ClinVar:

NM_000350.3(ABCA4):c.4848+1G>A

Genes: ABCA4 (ATP binding cassette subfamily A member 4; minus strand), LOC126805793 (CDK7 strongly-dependent group 2 enhancer GRCh37_chr1:94486302-94487501; plus strand). Cytogenetic location: 1p22.1.
Variant type: single nucleotide variant.
Coding change: c.4848+1G>A on transcript NM_000350.3 (MANE Select); the canonical splice donor site of the intron after coding-DNA position 4848, G replaced by A.
Molecular consequence: splice donor variant.
Genome position (GRCh38, 1-based): chr1:94,021,639, C>T on the plus strand (G>A on the coding strand, the complement: ABCA4 is on the minus strand). VCF-style: chr1-94021639-C-T. GRCh37 (hg19) VCF-style: chr1-94487195-C-T.
Identifiers: ClinVar variation 853057 (VCV000853057.18), dbSNP rs1659900228, ClinGen allele CA341283548.

ClinVar aggregate classification (germline): Pathogenic/Likely pathogenic. Review status: criteria provided, multiple submitters, no conflicts (2 of 4 stars). 4 submissions from 4 submitters: Pathogenic (2); Likely pathogenic (2). Last evaluated 2026-03-16.

Conditions:
Severe early-childhood-onset retinal dystrophy (STGD1). Also called: Stargardt macular dystrophy; Juvenile onset macular degeneration; Stargardt disease 1; MACULAR DYSTROPHY WITH FLECKS, TYPE 1; STGD. Identifiers: Orphanet 364055, Orphanet 827, MedGen C1855465, MeSH D000080362, MONDO:0009549, OMIM 248200.
Retinitis pigmentosa 19 (RP19). Also called: ABCA4-Related Retinitis Pigmentosa. Identifiers: Orphanet 791, MedGen C1866422, MONDO:0011137, OMIM 601718.
Cone-rod dystrophy 3 (CORD3). Identifiers: Orphanet 1872, MedGen C1858806, MONDO:0011395, OMIM 604116.
ABCA4-related disorder. Also called: ABCA4-related condition; ABCA4-related disorders. Identifiers: MedGen CN239167.

Allele frequency attached by ClinVar (database versions not stated): gnomAD 0.00001; TOPMed below 0.00001.
gnomAD v4.1: 1 of 1,610,448 alleles (0.000062%); highest among the groups gnomAD compares: African/African-American, 0.0013%; no homozygotes.

Submissions (4):

PreventionGenetics, part of Exact Sciences
Classification: Likely pathogenic for ABCA4-related condition. Last evaluated: 2026-03-16. Review status: criteria provided, single submitter. Criteria: ACMG Guidelines, 2015. Collection method: clinical testing. Allele origin: germline.
Comment: The ABCA4 c.4848+1G>A variant is predicted to disrupt the GT donor site and interfere with normal splicing. This variant has been reported in an individual with Stargardt disease (Table S2A, Cornelis et al. 2022. PubMed ID: 35120629). This variant has not been reported in a large population database (gnomAD), indicating this variant is rare. Variants that disrupt the consensus splice donor site in ABCA4 are expected to be pathogenic. Other variants affecting the same canonical splice site (e.g. c.4848+1G>T, c.4848+2T>C, c.4848+2T>A) have been reported in individuals with Stargardt disease or ABCA4-related retinal disease (Table S2, Weisschuh et al. 2020. PubMed ID: 32531858; Supplemental Table S10, Khan et al. 2020. PubMed ID: 32307445, Table S2A, Cornelis et al. 2022. PubMed ID: 35120629). This variant is interpreted as likely pathogenic.

Labcorp Genetics (formerly Invitae), Labcorp
Classification: Pathogenic. Last evaluated: 2025-10-29. Review status: criteria provided, single submitter. Criteria: Invitae Variant Classification Sherloc (09022015). Collection method: clinical testing. Allele origin: germline.
Comment: This sequence change affects a donor splice site in intron 34 of the ABCA4 gene. It is expected to disrupt RNA splicing. Variants that disrupt the donor or acceptor splice site typically lead to a loss of protein function (PMID: 16199547), and loss-of-function variants in ABCA4 are known to be pathogenic (PMID: 10958761, 24938718, 25312043, 26780318). This variant is not present in population databases (gnomAD no frequency). Disruption of this splice site has been observed in individual(s) with cone rod dystrophy (PMID: 18285826). In at least one individual the data is consistent with being in trans (on the opposite chromosome) from a pathogenic variant. ClinVar contains an entry for this variant (Variation ID: 853057). Algorithms developed to predict the effect of sequence changes on RNA splicing suggest that this variant may disrupt the consensus splice site. For these reasons, this variant has been classified as Pathogenic.

First Genomix Gene Laboratory, Genetic Diagnostics Department
Classification: Likely pathogenic for Cone-rod dystrophy 3; Severe early-childhood-onset retinal dystrophy; Retinitis pigmentosa 19. Last evaluated: 2025-06-20. Review status: criteria provided, single submitter. Criteria: ACMG Guidelines, 2015. Collection method: clinical testing. Allele origin: germline. Inheritance: Autosomal recessive inheritance. Affected: no. Observed: 1 variant allele.

Blueprint Genetics
Classification: Pathogenic for ABCA4-related disorders. Last evaluated: 2022-08-30. Review status: criteria provided, single submitter. Criteria: ACMG Guidelines, 2015. Collection method: clinical testing. Allele origin: germline. Affected: yes. Observed: 5 variant alleles.

Literature cited by the submitters: PubMed 16199547 (cited by Labcorp Genetics (formerly Invitae), Labcorp); PubMed 10958761 (cited by Labcorp Genetics (formerly Invitae), Labcorp); PubMed 24938718 (cited by Labcorp Genetics (formerly Invitae), Labcorp); PubMed 25312043 (cited by Labcorp Genetics (formerly Invitae), Labcorp); PubMed 26780318 (cited by Labcorp Genetics (formerly Invitae), Labcorp); PubMed 18285826 (cited by Labcorp Genetics (formerly Invitae), Labcorp).